The following is an entry in ClinVar:

NM_001378120.1(MBD5):c.4670G>A (p.Ser1557Asn)

Gene: MBD5 (methyl-CpG binding domain protein 5; plus strand). Cytogenetic location: 2q23.1.
Variant type: single nucleotide variant.
Coding change: c.4670G>A on transcript NM_001378120.1 (MANE Select); coding-DNA position 4670, G replaced by A.
Protein change: p.Ser1557Asn; replaces serine 1557 with asparagine.
Molecular consequence: missense variant.
Genome position (GRCh38, 1-based): chr2:148,490,302, G>A. VCF-style: chr2-148490302-G-A. GRCh37 (hg19) VCF-style: chr2-149247871-G-A.
Other names: c.3971G>A, p.Ser1324Asn (NM_018328.5); short protein forms S1324N, S1557N.
Identifiers: ClinVar variation 1327780 (VCV001327780.9), dbSNP rs1278585545, ClinGen allele CA348730085.
Genomic context (GRCh38, chr2:148,490,302, plus strand): 5'-TGCTAAGCACTGCAAAGCAAGACCTGGTCCTAGAGGAGCAGTCTCCAAGTTCCTCAAATA[G>A]TTTGGAAAATTCTCTGGTCAAAGACTACATCCATTACAATGGAGACTTTAATGCCAAAAG-3'
Protein context (NP_001365049.1, residues 1547-1567): LEEQSPSSSN[Ser1557Asn]LENSLVKDYI

ClinVar aggregate classification (germline): Conflicting classifications of pathogenicity. Review status: criteria provided, conflicting classifications (1 of 4 stars). 2 submissions from 2 submitters: Uncertain significance (1); Likely benign (1). Last evaluated 2025-12-13.

Conditions:
Intellectual developmental disorder, autosomal dominant 1. Also called: MBD5 Haploinsufficiency; Intellectual disability, autosomal dominant 1. Identifiers: Orphanet 228402, MedGen C1969562, MONDO:0007974, OMIM 156200.

Allele frequency attached by ClinVar (database versions not stated): gnomAD exomes below 0.00001; TOPMed 0.00001.
gnomAD v4.1: 3 of 1,614,038 alleles (0.00019%); highest among the groups gnomAD compares: Non-Finnish European, 0.00025%; no homozygotes.

Submissions (2):

Labcorp Genetics (formerly Invitae), Labcorp
Classification: Uncertain significance for Intellectual developmental disorder, autosomal dominant 1. Last evaluated: 2025-12-13. Review status: criteria provided, single submitter. Criteria: Invitae Variant Classification Sherloc (09022015). Collection method: clinical testing. Allele origin: germline.
Comment: This sequence change replaces serine, which is neutral and polar, with asparagine, which is neutral and polar, at codon 1324 of the MBD5 protein (p.Ser1324Asn). The frequency data for this variant in the population databases is considered unreliable, as metrics indicate poor data quality at this position in the gnomAD database. This variant has not been reported in the literature in individuals affected with MBD5-related conditions. ClinVar contains an entry for this variant (Variation ID: 1327780). Experimental studies and prediction algorithms are not available or were not evaluated, and the functional significance of this variant is currently unknown. In summary, the available evidence is currently insufficient to determine the role of this variant in disease. Therefore, it has been classified as a Variant of Uncertain Significance.

GeneDx
Classification: Likely benign. Last evaluated: 2021-03-10. Review status: criteria provided, single submitter. Criteria: GeneDx Variant Classification Process June 2021. Collection method: clinical testing. Allele origin: germline. Affected: yes.